The following is an entry in ClinVar:

ClinVar aggregate classification (germline): Uncertain significance (1 of 4 stars; one submission).

Submission:

GeneDx
Classification: Uncertain significance. Last evaluated: 2023-06-01. Review status: criteria provided, single submitter. Criteria: GeneDx Variant Classification Process June 2021. Collection method: clinical testing. Allele origin: germline. Affected: yes.
Comment: Not observed at significant frequency in large population cohorts (gnomAD); In silico analysis supports that this missense variant has a deleterious effect on protein structure/function; Has not been previously published as pathogenic or benign to our knowledge

NM_003611.3(OFD1):c.217G>C (p.Ala73Pro)

Gene: OFD1 (OFD1 centriole and centriolar satellite protein; plus strand). Cytogenetic location: Xp22.2.
Variant type: single nucleotide variant.
Coding change: c.217G>C on transcript NM_003611.3 (MANE Select); coding-DNA position 217, G replaced by C.
Protein change: p.Ala73Pro; replaces alanine 73 with proline.
Molecular consequence: missense variant. On other transcripts: 5 prime UTR variant (1).
Genome position (GRCh38, 1-based): chrX:13,736,583, G>C. VCF-style: chrX-13736583-G-C. GRCh37 (hg19) VCF-style: chrX-13754702-G-C.
Other names: c.217G>C, p.Ala73Pro (NM_001330209.2); c.-329G>C (NM_001330210.2); short protein forms A73P.
Identifiers: ClinVar variation 3359289 (VCV003359289.1).